The following is an entry in ClinVar:

ClinVar aggregate classification (germline): Conflicting classifications of pathogenicity. Review status: criteria provided, conflicting classifications (1 of 4 stars). 3 submissions from 3 submitters: Uncertain significance (1); Likely benign (2). Last evaluated 2025-02-27.

Conditions:
Hereditary spastic paraplegia. Also called: Familial spastic paraparesis. Identifiers: Orphanet 685, MedGen C0037773, MONDO:0019064. Disease mechanism: loss of function.
Spastic ataxia 2. Also called: Ataxia, spastic, 2, autosomal recessive. Identifiers: Orphanet 397946, MedGen C1969796, MONDO:0012651, OMIM 611302.

Allele frequency attached by ClinVar (database versions not stated): ExAC 0.00007; ESP Exome Variant Server 0.00008; gnomAD exomes 0.00009; gnomAD 0.00010; TOPMed 0.00012.
gnomAD v4.1: 255 of 1,613,948 alleles (0.016%); highest among the groups gnomAD compares: Non-Finnish European, 0.021%; no homozygotes.

Submissions (3):

Labcorp Genetics (formerly Invitae), Labcorp
Classification: Likely benign for Spastic ataxia 2. Last evaluated: 2025-02-27. Review status: criteria provided, single submitter. Criteria: Invitae Variant Classification Sherloc (09022015). Collection method: clinical testing. Allele origin: germline.

CeGaT Center for Human Genetics Tuebingen
Classification: Likely benign. Last evaluated: 2025-01-01. Review status: criteria provided, single submitter. Criteria: CeGaT Center For Human Genetics Tuebingen Variant Classification Criteria Version 2. Collection method: clinical testing. Allele origin: germline. Affected: yes. Observed: 1 variant allele.
Comment: KIF1C: BP4, BP7

Genome Diagnostics Laboratory, The Hospital for Sick Children
Classification: Uncertain significance for Hereditary spastic paraplegia. Last evaluated: 2018-07-01. Review status: criteria provided, single submitter. Criteria: ACMG Guidelines, 2015. Collection method: clinical testing. Allele origin: germline. Affected: yes.

NM_006612.6(KIF1C):c.339A>G (p.Pro113=)

Gene: KIF1C (kinesin family member 1C; plus strand). Cytogenetic location: 17p13.2.
Variant type: single nucleotide variant.
Coding change: c.339A>G on transcript NM_006612.6 (MANE Select); coding-DNA position 339, A replaced by G.
Protein change: p.Pro113=; no amino-acid change (proline 113 retained).
Molecular consequence: synonymous variant.
Genome position (GRCh38, 1-based): chr17:5,001,377, A>G. VCF-style: chr17-5001377-A-G. GRCh37 (hg19) VCF-style: chr17-4904672-A-G.
Identifiers: ClinVar variation 536736 (VCV000536736.23), dbSNP rs142773987, ClinGen allele CA8318508.